The following is an entry in ClinVar:

NM_000236.3(LIPC):c.434C>T (p.Ala145Val)

Gene: LIPC (lipase C, hepatic type; plus strand). Cytogenetic location: 15q21.3.
Variant type: single nucleotide variant.
Coding change: c.434C>T on transcript NM_000236.3 (MANE Select); coding-DNA position 434, C replaced by T.
Protein change: p.Ala145Val; replaces alanine 145 with valine.
Molecular consequence: missense variant.
Genome position (GRCh38, 1-based): chr15:58,541,945, C>T. VCF-style: chr15-58541945-C-T. GRCh37 (hg19) VCF-style: chr15-58834144-C-T.
Other names: short protein forms A145V.
Identifiers: ClinVar variation 2882870 (VCV002882870.3), dbSNP rs376664736, ClinGen allele CA7584842.
Genomic context (GRCh38, chr15:58,541,945, plus strand): 5'-TGGCCCACGACCACTACACCATCGCCGTCCGCAACACCCGCCTTGTGGGCAAGGAGGTCG[C>T]GGCTCTTCTCCGGTGGCTGGAGGTACCGACCTGCCCCATCCTTCCTTCACCTCCCTTCCC-3'
Protein context (NP_000227.2, residues 135-155): RNTRLVGKEV[Ala145Val]ALLRWLEESV

ClinVar aggregate classification (germline): Uncertain significance (1 of 4 stars; one submission).

Allele frequency attached by ClinVar (database versions not stated): TOPMed 0.00002; gnomAD 0.00004; gnomAD exomes 0.00004; ExAC 0.00005; ESP Exome Variant Server 0.00015.
gnomAD v4.1: 62 of 1,610,498 alleles (0.0038%); highest among the groups gnomAD compares: East Asian, 0.0045%; no homozygotes.

Submission:

Labcorp Genetics (formerly Invitae), Labcorp
Classification: Uncertain significance. Last evaluated: 2023-10-04. Review status: criteria provided, single submitter. Criteria: Invitae Variant Classification Sherloc (09022015). Collection method: clinical testing. Allele origin: germline.
Comment: This sequence change replaces alanine, which is neutral and non-polar, with valine, which is neutral and non-polar, at codon 145 of the LIPC protein (p.Ala145Val). This variant is present in population databases (rs376664736, gnomAD 0.006%). This variant has not been reported in the literature in individuals affected with LIPC-related conditions. Advanced modeling of protein sequence and biophysical properties (such as structural, functional, and spatial information, amino acid conservation, physicochemical variation, residue mobility, and thermodynamic stability) performed at Invitae indicates that this missense variant is expected to disrupt LIPC protein function. In summary, the available evidence is currently insufficient to determine the role of this variant in disease. Therefore, it has been classified as a Variant of Uncertain Significance.